The following is an entry in ClinVar:

ClinVar aggregate classification (germline): Uncertain significance. Review status: criteria provided, single submitter (1 of 4 stars). 2 submissions from 2 submitters: Uncertain significance (1). 1 of the submissions does not count toward it. Last evaluated 2021-07-30.

Conditions:
UBR1-related disorder. Also called: UBR1-related condition.
Johanson-Blizzard syndrome (JBS). Also called: Nasal alar hypoplasia, hypothyroidism, pancreatic achylia and congenital deafness. Identifiers: Orphanet 2315, MedGen C0175692, MONDO:0009479, OMIM 243800.

gnomAD v4.1: 7 of 1,614,064 alleles (0.00043%); highest among the groups gnomAD compares: East Asian, 0.016%; no homozygotes.

Submissions (2):

Department of Pathology and Laboratory Medicine, Sinai Health System
Classification: Uncertain significance for Johanson-Blizzard syndrome. Last evaluated: 2021-07-30. Review status: criteria provided, single submitter. Criteria: ACMG Guidelines, 2015. Collection method: research. Allele origin: germline.

PreventionGenetics, part of Exact Sciences
Classification: Uncertain significance for UBR1-related condition. Last evaluated: 2024-06-09. Review status: no assertion criteria provided. Collection method: clinical testing. Allele origin: germline. Not counted in ClinVar's aggregate classification.
Comment: The UBR1 c.985A>G variant is predicted to result in the amino acid substitution p.Ser329Gly. To our knowledge, this variant has not been reported in the literature. This variant is reported in 0.022% of alleles in individuals of East Asian descent in gnomAD. At this time, the clinical significance of this variant is uncertain due to the absence of conclusive functional and genetic evidence.

NM_174916.3(UBR1):c.985A>G (p.Ser329Gly)

Gene: UBR1 (ubiquitin protein ligase E3 component n-recognin 1; minus strand). Cytogenetic location: 15q15.2.
Variant type: single nucleotide variant.
Coding change: c.985A>G on transcript NM_174916.3 (MANE Select); coding-DNA position 985, A replaced by G.
Protein change: p.Ser329Gly; replaces serine 329 with glycine.
Molecular consequence: missense variant.
Genome position (GRCh38, 1-based): chr15:43,059,702, T>C on the plus strand (A>G on the coding strand, the complement: UBR1 is on the minus strand). VCF-style: chr15-43059702-T-C. GRCh37 (hg19) VCF-style: chr15-43351900-T-C.
Other names: short protein forms S329G.
Identifiers: ClinVar variation 3358320 (VCV003358320.2).